The following is an entry in ClinVar:

ClinVar aggregate classification (germline): Uncertain significance (1 of 4 stars; one submission).

Conditions:
Congenital myasthenic syndrome 20. Also called: Myasthenic syndrome, congenital, 20, presynaptic. Identifiers: MedGen C4310694, MONDO:0014939, OMIM 617143.
Neuronopathy, distal hereditary motor, type 7A. Also called: Neuronopathy, distal hereditary motor, type viia; HARPER-YOUNG MYOPATHY; HMN VIIA; SPINAL MUSCULAR ATROPHY, DISTAL, WITH VOCAL CORD PARALYSIS; NEURONOPATHY, DISTAL HEREDITARY MOTOR, HARDING TYPE VIIA; NEUROPATHY, DISTAL HEREDITARY MOTOR, HARDING TYPE VIIA. Identifiers: Orphanet 139589, MedGen C1834703, MONDO:0008024, OMIM 158580.

Submission:

Labcorp Genetics (formerly Invitae), Labcorp
Classification: Uncertain significance for Neuronopathy, distal hereditary motor, type 7A; Congenital myasthenic syndrome 20. Last evaluated: 2022-07-19. Review status: criteria provided, single submitter. Criteria: Invitae Variant Classification Sherloc (09022015). Collection method: clinical testing. Allele origin: germline.
Comment: In summary, the available evidence is currently insufficient to determine the role of this variant in disease. Therefore, it has been classified as a Variant of Uncertain Significance. This variant has not been reported in the literature in individuals affected with SLC5A7-related conditions. This variant is a gross deletion of the genomic region encompassing exon(s) 2-4 of the SLC5A7 gene, which includes the initiator codon. This deletion extends beyond the assayed region for this gene and therefore may encompass additional genes. It is expected to result in an absent or disrupted protein product. However, the current clinical and genetic evidence is not sufficient to establish whether loss-of-function variants in SLC5A7 cause disease.

NC_000002.11:g.(?_108604612)_(108609603_?)del

Gene: SLC5A7 (solute carrier family 5 member 7; plus strand). Cytogenetic location: 2q12.3.
Variant type: Deletion.
Identifiers: ClinVar variation 2426682 (VCV002426682.5).